The following is an entry in ClinVar:

NM_014321.4(ORC6):c.381G>C (p.Gln127His)

Gene: ORC6 (origin recognition complex subunit 6; plus strand). Cytogenetic location: 16q11.2.
Variant type: single nucleotide variant.
Coding change: c.381G>C on transcript NM_014321.4 (MANE Select); coding-DNA position 381, G replaced by C.
Protein change: p.Gln127His; replaces glutamine 127 with histidine.
Molecular consequence: missense variant. On other transcripts: non-coding transcript variant (1).
Genome position (GRCh38, 1-based): chr16:46,693,114, G>C. VCF-style: chr16-46693114-G-C. GRCh37 (hg19) VCF-style: chr16-46727026-G-C.
Other names: short protein forms Q127H.
Identifiers: ClinVar variation 1485541 (VCV001485541.8), dbSNP rs150707183, ClinGen allele CA8037373.
Genomic context (GRCh38, chr16:46,693,114, plus strand): 5'-ATTTTCTAACAGATAATTCTGCAATAACTTCTCCTTTAGCTATGAGTCCAGTCTTCCCCA[G>C]ACACAGCAAGTGGATCTTGACTTATCCAGGCCACTTTTCACTTCTGCTGCACTGCTTTCA-3'
Protein context (NP_055136.1, residues 117-137): ILKSYESSLP[Gln127His]TQQVDLDLSR

ClinVar aggregate classification (germline): Uncertain significance (1 of 4 stars; one submission).

Allele frequency attached by ClinVar (database versions not stated): gnomAD exomes below 0.00001 and 0.00001; ExAC 0.00001; TOPMed 0.00001; ESP Exome Variant Server 0.00008.
gnomAD v4.1: 3 of 1,611,726 alleles (0.00019%); highest among the groups gnomAD compares: African/African-American, 0.004%; no homozygotes.

Submission:

Labcorp Genetics (formerly Invitae), Labcorp
Classification: Uncertain significance. Last evaluated: 2021-05-03. Review status: criteria provided, single submitter. Criteria: Invitae Variant Classification Sherloc (09022015). Collection method: clinical testing. Allele origin: germline.
Comment: Algorithms developed to predict the effect of missense changes on protein structure and function are either unavailable or do not agree on the potential impact of this missense change (SIFT: "Deleterious"; PolyPhen-2: "Benign"; Align-GVGD: "Class C0"). This sequence change replaces glutamine with histidine at codon 127 of the ORC6 protein (p.Gln127His). The glutamine residue is highly conserved and there is a small physicochemical difference between glutamine and histidine. This variant is present in population databases (rs150707183, ExAC 0.002%). This variant has not been reported in the literature in individuals with ORC6-related conditions. In summary, the available evidence is currently insufficient to determine the role of this variant in disease. Therefore, it has been classified as a Variant of Uncertain Significance.